The following is an entry in ClinVar:

NM_016955.4(SEPSECS):c.1169_1173del (p.Gln390fs)

Gene: SEPSECS (Sep (O-phosphoserine) tRNA:Sec (selenocysteine) tRNA synthase; minus strand). Cytogenetic location: 4p15.2.
Variant type: Deletion.
Coding change: c.1169_1173del on transcript NM_016955.4 (MANE Select); coding-DNA positions 1169 to 1173, 5 bases deleted (AGCTT; older notation c.1169_1173delAGCTT).
Protein change: p.Gln390fs; shifts the reading frame from glutamine 390.
Molecular consequence: frameshift variant.
Genome position (GRCh38, 1-based): chr4:25,125,732-25,125,736, AAGCT deleted on the plus strand (AGCTT on the coding strand, the reverse complement: SEPSECS is on the minus strand). VCF-style (leftmost placement, unchanged base first): chr4-25125731-CAAGCT-C. GRCh37 (hg19) VCF-style: chr4-25127353-CAAGCT-C.
Other names: c.1169_1173del (NM_016955.3); short protein forms Q390fs.
Identifiers: ClinVar variation 1434019 (VCV001434019.9), dbSNP rs1367362454, ClinGen allele CA550285701.

ClinVar aggregate classification (germline): Pathogenic/Likely pathogenic. Review status: criteria provided, multiple submitters, no conflicts (2 of 4 stars). 2 submissions from 2 submitters: Pathogenic (1); Likely pathogenic (1). Last evaluated 2024-09-03.

Conditions:
Pontocerebellar hypoplasia type 2D (PCH2D). Also called: Progressive cerebello-cerebral atrophy. Identifiers: Orphanet 247198, Orphanet 2524, MedGen C3151140, MONDO:0013438, OMIM 613811.

Allele frequency attached by ClinVar (database versions not stated): gnomAD exomes below 0.00001.

Submissions (2):

Natera, Inc.
Classification: Likely pathogenic for Pontocerebellar hypoplasia type 2d. Last evaluated: 2024-09-03. Review status: criteria provided, single submitter. Criteria: Natera Variant Classification Schema (03/2026). Collection method: clinical testing. Allele origin: germline.
Comment: The c.1169_1173del variant in SEPSECS is a frameshift variant predicted to shift the reading frame beginning at codon 390 and leads to a stop codon 37 codons downstream. This variant is expected to result in nonsense mediated decay, truncation, or a dysfunctional protein product. This variant is rare in the general population with a frequency below the threshold expected for the associated phenotype(s). Given the available evidence, this variant is classified as Likely Pathogenic.

Labcorp Genetics (formerly Invitae), Labcorp
Classification: Pathogenic. Last evaluated: 2021-04-12. Review status: criteria provided, single submitter. Criteria: Invitae Variant Classification Sherloc (09022015). Collection method: clinical testing. Allele origin: germline.
Comment: For these reasons, this variant has been classified as Pathogenic. This variant disrupts the C-terminus of the SEPSECS protein. Other variant(s) that disrupt this region (p.Tyr429*) have been determined to be pathogenic (PMID: 26115735). This suggests that variants that disrupt this region of the protein are likely to be causative of disease. This variant has not been reported in the literature in individuals with SEPSECS-related conditions. This variant is not present in population databases (ExAC no frequency). This sequence change creates a premature translational stop signal (p.Gln390Argfs*37) in the SEPSECS gene. While this is not anticipated to result in nonsense mediated decay, it is expected to disrupt the last 112 amino acid(s) of the SEPSECS protein.

Literature cited by the submitters: PubMed 26115735 (cited by Labcorp Genetics (formerly Invitae), Labcorp).